The following is an entry in ClinVar:

NM_000548.5(TSC2):c.4938_4939del (p.Ser1647fs)

Gene: TSC2 (TSC complex subunit 2; plus strand). Cytogenetic location: 16p13.3.
Variant type: Microsatellite.
Coding change: c.4938_4939del on transcript NM_000548.5 (MANE Select); coding-DNA positions 4938 to 4939, 2 bases deleted (GT; older notation c.4938_4939delGT).
Protein change: p.Ser1647fs; shifts the reading frame from serine 1647.
Molecular consequence: frameshift variant.
Genome position (GRCh38, 1-based): chr16:2,086,820-2,086,821, GT deleted; deleting any 2 consecutive bases within chr16:2,086,817-2,086,821 gives the same sequence; the c. name uses the placement nearest the transcript's 3' end. VCF-style (leftmost placement, unchanged base first): chr16-2086816-TTG-T. GRCh37 (hg19) VCF-style: chr16-2136817-TTG-T.
Other names: c.4737_4738del, p.Ser1580fs (NM_001077183.3); c.4869_4870del, p.Ser1624fs (NM_001114382.3); c.4629_4630del, p.Ser1544fs (NM_001318827.2); c.4593_4594del, p.Ser1532fs (NM_001318829.2); c.4206_4207del, p.Ser1403fs (NM_001318831.2); c.4770_4771del, p.Ser1591fs (NM_001318832.2); c.4740_4741del, p.Ser1581fs (NM_001363528.2); c.4806_4807del, p.Ser1603fs (NM_001370404.1); and 26 more; short protein forms S1403fs, S1532fs, S1580fs, S1581fs, S1603fs, S1647fs, S1544fs, S1591fs.
Identifiers: ClinVar variation 2152254 (VCV002152254.4), dbSNP rs2544404975, ClinGen allele CA645572650.
Genomic context (GRCh38, chr16:2,086,816, plus strand): 5'-TGCCCACCAAGGACGTGGACAAGCACCGCTGCGACAAGAAGCGCCACCTGGGCAACGACT[TTG>T]TGTCCATTGTCTACAATGACTCCGGTGAGGACTTCAAGCTTGGCACCATCAAGGTGAGTG-3'

ClinVar aggregate classification (germline): Pathogenic (1 of 4 stars; one submission).

Conditions:
Tuberous sclerosis 2 (TSC2). Identifiers: Orphanet 805, MedGen C1860707, MONDO:0013199, OMIM 613254.

Submission:

Labcorp Genetics (formerly Invitae), Labcorp
Classification: Pathogenic for Tuberous sclerosis 2. Last evaluated: 2022-04-23. Review status: criteria provided, single submitter. Criteria: Invitae Variant Classification Sherloc (09022015). Collection method: clinical testing. Allele origin: germline.
Comment: This variant is not present in population databases (gnomAD no frequency). This sequence change creates a premature translational stop signal (p.Ser1647Hisfs*5) in the TSC2 gene. It is expected to result in an absent or disrupted protein product. Loss-of-function variants in TSC2 are known to be pathogenic (PMID: 10205261, 17304050). This premature translational stop signal has been observed in individual(s) with Tuberous sclerosis (PMID: 29476190). In at least one individual the variant was observed to be de novo. For these reasons, this variant has been classified as Pathogenic.

Literature cited by the submitters: PubMed 10205261; PubMed 17304050; PubMed 29476190.